The following is an entry in ClinVar:

NM_000257.4(MYH7):c.3345C>T (p.Ile1115=)

Gene: MYH7 (myosin heavy chain 7; minus strand). Cytogenetic location: 14q11.2.
Variant type: single nucleotide variant.
Coding change: c.3345C>T on transcript NM_000257.4 (MANE Select); coding-DNA position 3345, C replaced by T.
Protein change: p.Ile1115=; no amino-acid change (isoleucine 1115 retained).
Molecular consequence: synonymous variant.
Genome position (GRCh38, 1-based): chr14:23,420,226, G>A on the plus strand (C>T on the coding strand, the complement: MYH7 is on the minus strand). VCF-style: chr14-23420226-G-A. GRCh37 (hg19) VCF-style: chr14-23889435-G-A.
Identifiers: ClinVar variation 1634158 (VCV001634158.10), dbSNP rs786204377, ClinGen allele CA013618.
Genomic context (GRCh38, chr14:23,420,226, plus strand): 5'-CAGCTTCTCCACCTTAGCCCTGGCGGTGCGCTCGGCCTCCAGCTCCTCCTCCAGCTCCTC[G>A]ATGCGTGCCTGGTCAGACACAAAGGGCTCAGACCCACCGCCTGGACCCCTCCACTGGAAT-3'
Protein context (NP_000248.2, residues 1105-1125): QKKLKELQAR[Ile1115=]EELEEELEAE

ClinVar aggregate classification (germline): Likely benign. Review status: criteria provided, multiple submitters, no conflicts (2 of 4 stars). 3 submissions from 3 submitters: Likely benign (3). Last evaluated 2025-04-27.

Conditions:
Hypertrophic cardiomyopathy. Also called: HYPERTROPHIC MYOCARDIOPATHY. Identifiers: Orphanet 217569, MedGen C0007194, MeSH D002312, MONDO:0005045, HP:0001639.
Cardiomyopathy (CMYO). Also called: Cardiomyopathies. Identifiers: Orphanet 167848, MedGen C0878544, MONDO:0004994, HP:0001638. Inheritance: Various modes of inheritance.

Allele frequency attached by ClinVar (database versions not stated): gnomAD 0.00001; TOPMed 0.00001; gnomAD exomes 0.00002.
gnomAD v4.1: 21 of 1,609,076 alleles (0.0013%); highest among the groups gnomAD compares: Non-Finnish European, 0.0018%; no homozygotes.

Submissions (3):

Labcorp Genetics (formerly Invitae), Labcorp
Classification: Likely benign for Hypertrophic cardiomyopathy. Last evaluated: 2025-04-27. Review status: criteria provided, single submitter. Criteria: Invitae Variant Classification Sherloc (09022015). Collection method: clinical testing. Allele origin: germline.

All of Us Research Program, National Institutes of Health
Classification: Likely benign for Cardiomyopathy. Last evaluated: 2023-04-03. Review status: criteria provided, single submitter. Criteria: ACMG Guidelines, 2015. Collection method: clinical testing. Allele origin: germline. Inheritance: Autosomal dominant inheritance. Observed: 2 variant alleles, 2 heterozygotes.
Comment: This study involves interpretation of variants in research participants for the purpose of population health screening. Participant phenotype was not available at the time of variant classification. Additional details can be found in publication PMID: 35346344, PMCID: PMC8962531

Color Diagnostics, LLC DBA Color Health
Classification: Likely benign for Cardiomyopathy. Last evaluated: 2018-11-08. Review status: criteria provided, single submitter. Criteria: ACMG Guidelines, 2015. Collection method: clinical testing. Allele origin: germline.